The following is an entry in ClinVar:

ClinVar aggregate classification (germline): Likely pathogenic (1 of 4 stars; one submission).

Conditions:
Vascular malformation. Also called: Vascular malformations. Identifiers: MedGen C0158570, MONDO:0024291.

Submission:

Clinical Genomics Laboratory, Washington University in St. Louis
Classification: Likely pathogenic for Vascular malformation. Last evaluated: 2023-08-06. Review status: criteria provided, single submitter. Criteria: ACMG Guidelines, 2015. Collection method: clinical testing. Allele origin: somatic. Affected: yes.
Comment: The KRAS c.178_198dup (p.Gly60_Ala66dup) was identified at an allelic fraction consistent with somatic origin. This variant, to our knowledge, has not been reported in vascular anomalies, but has been reported in a child with atypical myeloproliferative neoplasm (White Y et al., PMID: 26854029). However, many other in-frame indels in this region have been identified in individuals with disorders of somatic mosaicism (Hou et al., PMID: 36571464). This variant is absent from the general population (gnomAD v.2.1), indicating it is not a common variant and resides within a region, the switch II domain, amino acids 58-72, of KRAS that is defined as a critical functional domain (Eijkelenboom A et al., PMID: 31160609; Hou et al., PMID: 36571464). The KRAS c.178_198dup (p.Gly60_Ala66dup) variant is predicted to cause a change in the length of the protein due to an in-frame duplication of seven amino acid(s) in a non-repeat region. Based on an internally-developed protocol informed by the ACMG/AMP guidelines (Richards S et al., PMID: 25741868) and gene-specific practices from the ClinGen Criteria Specification Registry, the KRAS c.178_198dup (p.Gly60_Ala66dup) variant is classified as likely pathogenic.

NM_004985.5(KRAS):c.178_198dup (p.Ala66_Met67insGlyGlnGluGluTyrSerAla)

Gene: KRAS (KRAS proto-oncogene, GTPase; minus strand). Cytogenetic location: 12p12.1.
Variant type: Duplication.
Coding change: c.178_198dup on transcript NM_004985.5 (MANE Select); coding-DNA positions 178 to 198, 21 bases duplicated (GGTCAAGAGGAGTACAGTGCA).
Protein change: p.Ala66_Met67insGlyGlnGluGluTyrSerAla.
Molecular consequence: inframe insertion.
Genome position (GRCh38, 1-based): chr12:25,227,326-25,227,346, TGCACTGTACTCCTCTTGACC duplicated on the plus strand (GGTCAAGAGGAGTACAGTGCA on the coding strand, the reverse complement: KRAS is on the minus strand); duplicating any 21 consecutive bases within chr12:25,227,326-25,227,349 gives the same sequence; the c. name uses the placement nearest the transcript's 3' end. VCF-style (leftmost placement, unchanged base first): chr12-25227325-T-TTGCACTGTACTCCTCTTGACC. GRCh37 (hg19) VCF-style: chr12-25380259-T-TTGCACTGTACTCCTCTTGACC.
Other names: c.178_198dup, p.Ala66_Met67insGlyGlnGluGluTyrSerAla (NM_001369786.1, NM_001369787.1, NM_033360.4).
Identifiers: ClinVar variation 2672092 (VCV002672092.1), dbSNP rs2548920482, ClinGen allele CA2580618085.